The following is an entry in ClinVar:

ClinVar aggregate classification (germline): Conflicting classifications of pathogenicity. Review status: criteria provided, conflicting classifications (1 of 4 stars). 4 submissions from 4 submitters: Uncertain significance (3); Likely benign (1). Last evaluated 2025-08-21.

Conditions:
Dyskeratosis congenita. Identifiers: Orphanet 1775, MedGen C0265965, MONDO:0015780.
Dyskeratosis congenita, autosomal dominant 2. Identifiers: MedGen C3151443, MONDO:0013521, OMIM 613989.
Idiopathic Pulmonary Fibrosis. Also called: Idiopathic fibrosing alveolitis, chronic form; idiopathic fibrosing alveolitis. Identifiers: Orphanet 2032, MedGen C1800706, MeSH D054990, MONDO:0800504.

Allele frequency attached by ClinVar (database versions not stated): ExAC 0.00001; TOPMed 0.00001.
gnomAD v4.1: 10 of 1,613,700 alleles (0.00062%); highest among the groups gnomAD compares: South Asian, 0.0033%; no homozygotes.

Submissions (4):

Labcorp Genetics (formerly Invitae), Labcorp
Classification: Uncertain significance for Dyskeratosis congenita, autosomal dominant 2; Idiopathic Pulmonary Fibrosis. Last evaluated: 2025-08-21. Review status: criteria provided, single submitter. Criteria: Invitae Variant Classification Sherloc (09022015). Collection method: clinical testing. Allele origin: germline.
Comment: This sequence change replaces arginine, which is basic and polar, with tryptophan, which is neutral and slightly polar, at codon 610 of the TERT protein (p.Arg610Trp). This variant is present in population databases (rs747940807, gnomAD 0.003%). This variant has not been reported in the literature in individuals affected with TERT-related conditions. ClinVar contains an entry for this variant (Variation ID: 954781). Invitae Evidence Modeling of protein sequence and biophysical properties (such as structural, functional, and spatial information, amino acid conservation, physicochemical variation, residue mobility, and thermodynamic stability) indicates that this missense variant is expected to disrupt TERT protein function with a positive predictive value of 95%. In summary, the available evidence is currently insufficient to determine the role of this variant in disease. Therefore, it has been classified as a Variant of Uncertain Significance.

Ambry Genetics
Classification: Uncertain significance for Dyskeratosis congenita. Last evaluated: 2025-07-10. Review status: criteria provided, single submitter. Criteria: Ambry Variant Classification Scheme 2023. Collection method: clinical testing. Allele origin: germline.
Comment: The p.R610W variant (also known as c.1828C>T), located in coding exon 4 of the TERT gene, results from a C to T substitution at nucleotide position 1828. The arginine at codon 610 is replaced by tryptophan, an amino acid with dissimilar properties. This amino acid position is conserved. In addition, the in silico prediction for this alteration is inconclusive. Based on the available evidence, the clinical significance of this variant remains unclear.

Baylor Genetics
Classification: Uncertain significance for Dyskeratosis congenita, autosomal dominant 2. Last evaluated: 2023-08-18. Review status: criteria provided, single submitter. Criteria: ACMG Guidelines, 2015. Collection method: clinical testing. Allele origin: unknown.

Dept. of Cytogenetics, ICMR- National Institute of Immunohaematology
Classification: Likely benign for Dyskeratosis congenita, autosomal dominant 2. Review status: criteria provided, single submitter. Criteria: ACMG Guidelines, 2015. Collection method: clinical testing. Allele origin: inherited. Affected: yes. Observed: 1 variant allele.

NM_198253.3(TERT):c.1828C>T (p.Arg610Trp)

Gene: TERT (telomerase reverse transcriptase; minus strand). Cytogenetic location: 5p15.33.
Variant type: single nucleotide variant.
Coding change: c.1828C>T on transcript NM_198253.3 (MANE Select); coding-DNA position 1828, C replaced by T.
Protein change: p.Arg610Trp; replaces arginine 610 with tryptophan.
Molecular consequence: missense variant. On other transcripts: non-coding transcript variant (2).
Genome position (GRCh38, 1-based): chr5:1,280,280, G>A on the plus strand (C>T on the coding strand, the complement: TERT is on the minus strand). VCF-style: chr5-1280280-G-A. GRCh37 (hg19) VCF-style: chr5-1280395-G-A.
Other names: c.1828C>T, p.Arg610Trp (NM_001193376.3); short protein forms R610W.
Identifiers: ClinVar variation 954781 (VCV000954781.11), dbSNP rs747940807, ClinGen allele CA3184747.
Genomic context (GRCh38, chr5:1,280,280, plus strand): 5'-GCCCGTCAGGCTTGGGGATGAAGCGGAGTCTGGACGTCAGCAGGGCGGGCCTGGCTTCCC[G>A]ATGCTGCCTGACCTCTGCTTCCGACAGCTCCCGCAGCTGCACCCTCTTCAAGTGCTGTCT-3'
Protein context (NP_937983.2, residues 600-620): ELSEAEVRQH[Arg610Trp]EARPALLTSR